The following is an entry in ClinVar:

NM_001273.5(CHD4):c.2610C>T (p.Leu870=)

Gene: CHD4 (chromodomain helicase DNA binding protein 4; minus strand). Cytogenetic location: 12p13.31.
Variant type: single nucleotide variant.
Coding change: c.2610C>T on transcript NM_001273.5 (MANE Select); coding-DNA position 2610, C replaced by T.
Protein change: p.Leu870=; no amino-acid change (leucine 870 retained).
Molecular consequence: synonymous variant.
Genome position (GRCh38, 1-based): chr12:6,593,133, G>A on the plus strand (C>T on the coding strand, the complement: CHD4 is on the minus strand). VCF-style: chr12-6593133-G-A. GRCh37 (hg19) VCF-style: chr12-6702299-G-A.
Other names: c.2589C>T, p.Leu863= (NM_001297553.2); c.2571C>T, p.Leu857= (NM_001363606.2).
Identifiers: ClinVar variation 713993 (VCV000713993.17), dbSNP rs61759470, ClinGen allele CA6411937.

ClinVar aggregate classification (germline): Benign/Likely benign. Review status: criteria provided, multiple submitters, no conflicts (2 of 4 stars). 3 submissions from 3 submitters: Benign (1); Likely benign (1). 1 of the submissions does not count toward it. Last evaluated 2026-06-01.

Conditions:
CHD4-related disorder. Also called: CHD4-related condition.

Allele frequency attached by ClinVar (database versions not stated): 1000 Genomes Project 30x 0.00016; gnomAD 0.00047 and 0.00048; TOPMed 0.00056; gnomAD exomes 0.00058; ExAC 0.00062; ESP Exome Variant Server 0.00077.
gnomAD v4.1: 1,410 of 1,614,204 alleles (0.087%); highest among the groups gnomAD compares: Non-Finnish European, 0.11%; no homozygotes.

Submissions (3):

CeGaT Center for Human Genetics Tuebingen
Classification: Likely benign. Last evaluated: 2026-06-01. Review status: criteria provided, single submitter. Criteria: CeGaT Center For Human Genetics Tuebingen Variant Classification Criteria Version 2. Collection method: clinical testing. Allele origin: germline. Affected: yes. Observed: 3 variant alleles.
Comment: CHD4: BP4, BP7, BS1

Labcorp Genetics (formerly Invitae), Labcorp
Classification: Benign. Last evaluated: 2025-12-21. Review status: criteria provided, single submitter. Criteria: Invitae Variant Classification Sherloc (09022015). Collection method: clinical testing. Allele origin: germline.

PreventionGenetics, part of Exact Sciences
Classification: Likely benign for CHD4-related condition. Last evaluated: 2022-03-29. Review status: no assertion criteria provided. Collection method: clinical testing. Allele origin: germline. Not counted in ClinVar's aggregate classification.
Comment: This variant is classified as likely benign based on ACMG/AMP sequence variant interpretation guidelines (Richards et al. 2015 PMID: 25741868, with internal and published modifications).